The following is an entry in ClinVar:

ClinVar aggregate classification (germline): Uncertain significance (1 of 4 stars; one submission).

Conditions:
Intrauterine growth retardation, metaphyseal dysplasia, adrenal hypoplasia congenita, genital anomalies, and immunodeficiency. Also called: IMAGEI SYNDROME. Identifiers: MedGen C5193036, MONDO:0032684, OMIM 618336.
Facial dysmorphism-immunodeficiency-livedo-short stature syndrome. Also called: FILS syndrome; Facial dysmorphism, immunodeficiency, livedo, and short stature. Identifiers: Orphanet 352712, MedGen C3554576, MONDO:0014058, OMIM 615139.
Colorectal cancer, susceptibility to, 12 (CRCS12). Also called: COLORECTAL CANCER, SUSCEPTIBILITY TO, ON CHROMOSOME 12q24. Identifiers: Orphanet 220460, MedGen C3554460, MONDO:0014038, OMIM 615083.

Submission:

Juno Genomics, Hangzhou Juno Genomics, Inc
Classification: Uncertain significance for Colorectal cancer, susceptibility to, 12; Facial dysmorphism-immunodeficiency-livedo-short stature syndrome; Intrauterine growth retardation, metaphyseal dysplasia, adrenal hypoplasia congenita, genital anomalies, and immunodeficiency. Review status: criteria provided, single submitter. Criteria: ACMG Guidelines, 2015. Collection method: clinical testing. Allele origin: germline.
Comment: Absent from controls (or at extremely low frequency if recessive) in Genome Aggregation Database.

NM_006231.4(POLE):c.526A>G (p.Lys176Glu)

Gene: POLE (DNA polymerase epsilon, catalytic subunit; minus strand). Cytogenetic location: 12q24.33.
Variant type: single nucleotide variant.
Coding change: c.526A>G on transcript NM_006231.4 (MANE Select); coding-DNA position 526, A replaced by G.
Protein change: p.Lys176Glu; replaces lysine 176 with glutamic acid.
Molecular consequence: missense variant.
Genome position (GRCh38, 1-based): chr12:132,679,549, T>C on the plus strand (A>G on the coding strand, the complement: POLE is on the minus strand). VCF-style: chr12-132679549-T-C. GRCh37 (hg19) VCF-style: chr12-133256135-T-C.
Other names: short protein forms K176E.
Identifiers: ClinVar variation 5005065 (VCV005005065.2).